The following is an entry in ClinVar:

ClinVar aggregate classification (germline): Likely benign (0 of 4 stars; one submission).

Conditions:
Malignant tumor of breast. Also called: Malignant breast neoplasm; Cancer breast. Identifiers: MedGen C0006142, MONDO:0007254. Disease mechanism: loss of function.

Submission:

Department of Pathology and Laboratory Medicine, Sinai Health System
Classification: Likely benign for Malignant tumor of breast. Review status: no assertion criteria provided. Collection method: clinical testing. Allele origin: unknown. Affected: yes. Study: The Canadian Open Genetics Repository (COGR).
Comment: The BRCA1 p.Gly1591= variant was not identified in the literature nor was it identified in the dbSNP, ClinVar, LOVD 3.0, or UMD-LSDB, databases. The variant was not identified in the following control databases: the Exome Aggregation Consortium (August 8th 2016), or the Genome Aggregation Database (Feb 27, 2017). The p.Gly1591= variant is not expected to have clinical significance because it does not result in a change of amino acid and is not located in a known consensus splice site. The variant occurs outside of the splicing consensus sequence and 1 of 4 in silico or computational prediction software programs (SpliceSiteFinder, MaxEntScan, NNSPLICE, GeneSplicer) predict a greater than 10% difference in splicing; this is not very predictive of pathogenicity. In summary, based on the above information the clinical significance of this variant cannot be determined with certainty at this time although we would lean towards a more benign role for this variant. This variant is classified as likely benign.

NM_007294.4(BRCA1):c.4773C>T (p.Gly1591=)

Gene: BRCA1 (BRCA1 DNA repair associated; minus strand). Cytogenetic location: 17q21.31.
Variant type: single nucleotide variant.
Coding change: c.4773C>T on transcript NM_007294.4 (MANE Select); coding-DNA position 4773, C replaced by T.
Protein change: p.Gly1591=; no amino-acid change (glycine 1591 retained).
Molecular consequence: synonymous variant. On other transcripts: intron variant (1).
Genome position (GRCh38, 1-based): chr17:43,071,141, G>A on the plus strand (C>T on the coding strand, the complement: BRCA1 is on the minus strand). VCF-style: chr17-43071141-G-A. GRCh37 (hg19) VCF-style: chr17-41223158-G-A.
Other names: c.4509C>T, p.Gly1503= (NM_001407924.1, NM_001407925.1, NM_001407926.1 and 4 more transcripts); c.4626C>T, p.Gly1542= (NM_001407849.1, NM_001407850.1, NM_001407851.1 and 12 more transcripts); c.4632C>T, p.Gly1544= (NM_001407692.1, NM_001407694.1, NM_001407695.1 and 13 more transcripts); c.4506C>T, p.Gly1502= (NM_001407927.1, NM_001407928.1, NM_001407929.1 and 4 more transcripts); c.4773C>T, p.Gly1591= (NM_001407854.1, NM_001407593.1, NM_001407594.1 and 8 more transcripts); c.4770C>T, p.Gly1590= (NM_001407858.1, NM_001407859.1, NM_001407860.1 and 17 more transcripts); c.4767C>T, p.Gly1589= (NM_001407861.1, NM_001407627.1, NM_001407628.1 and 14 more transcripts); c.4572C>T, p.Gly1524= (NM_001407862.1); and 71 more.
Identifiers: ClinVar variation 1048818 (VCV001048818.2), dbSNP rs2153860804, ClinGen allele CA500231850.